The following is an entry in ClinVar:

ClinVar aggregate classification (germline): Uncertain significance. Review status: criteria provided, multiple submitters, no conflicts (2 of 4 stars). 2 submissions from 2 submitters: Uncertain significance (2). Last evaluated 2026-04-11.

Conditions:
MCM2-related disorder. Also called: MCM2-related condition.

gnomAD v4.1: 12 of 1,613,888 alleles (0.00074%); highest among the groups gnomAD compares: South Asian, 0.0033%; no homozygotes.

Submissions (2):

PreventionGenetics, part of Exact Sciences
Classification: Uncertain significance for MCM2-related condition. Last evaluated: 2026-04-11. Review status: criteria provided, single submitter. Criteria: ACMG Guidelines, 2015. Collection method: clinical testing. Allele origin: germline.
Comment: The MCM2 c.2386C>T variant is predicted to result in the amino acid substitution p.Arg796Cys. To our knowledge, this variant has not been reported in the literature. This variant is reported in 0.0033% of alleles in individuals of South Asian descent in gnomAD. At this time, the clinical significance of this variant is uncertain due to the absence of conclusive functional and genetic evidence.

Ambry Genetics
Classification: Uncertain significance. Last evaluated: 2024-08-05. Review status: criteria provided, single submitter. Criteria: Ambry Variant Classification Scheme 2023. Collection method: clinical testing. Allele origin: germline.

NM_004526.4(MCM2):c.2386C>T (p.Arg796Cys)

Genes: MCM2 (minichromosome maintenance complex component 2; plus strand), LOC107986126 (uncharacterized LOC107986126; minus strand). Cytogenetic location: 3q21.3.
Variant type: single nucleotide variant.
Coding change: c.2386C>T on transcript NM_004526.4 (MANE Select); coding-DNA position 2386, C replaced by T.
Protein change: p.Arg796Cys; replaces arginine 796 with cysteine.
Molecular consequence: missense variant. On other transcripts: non-coding transcript variant (1).
Genome position (GRCh38, 1-based): chr3:127,620,818, C>T. VCF-style: chr3-127620818-C-T. GRCh37 (hg19) VCF-style: chr3-127339661-C-T.
Other names: c.2386C>T (NM_004526.3); short protein forms R796C.
Identifiers: ClinVar variation 3544173 (VCV003544173.2).